The following is an entry in ClinVar:

NM_007118.4(TRIO):c.3212T>G (p.Leu1071Arg)

Gene: TRIO (trio Rho guanine nucleotide exchange factor; plus strand). Cytogenetic location: 5p15.2.
Variant type: single nucleotide variant.
Coding change: c.3212T>G on transcript NM_007118.4 (MANE Select); coding-DNA position 3212, T replaced by G.
Protein change: p.Leu1071Arg; replaces leucine 1071 with arginine.
Molecular consequence: missense variant. On other transcripts: non-coding transcript variant (1).
Genome position (GRCh38, 1-based): chr5:14,369,519, T>G. VCF-style: chr5-14369519-T-G. GRCh37 (hg19) VCF-style: chr5-14369628-T-G.
Other names: short protein forms L1071R.
Identifiers: ClinVar variation 1054752 (VCV001054752.7), dbSNP rs2152344481, ClinGen allele CA359217182.

ClinVar aggregate classification (germline): Uncertain significance (1 of 4 stars; one submission).

Submission:

Labcorp Genetics (formerly Invitae), Labcorp
Classification: Uncertain significance. Last evaluated: 2018-06-13. Review status: criteria provided, single submitter. Criteria: Invitae Variant Classification Sherloc (09022015). Collection method: clinical testing. Allele origin: germline.
Comment: In summary, the available evidence is currently insufficient to determine the role of this variant in disease. Therefore, it has been classified as a Variant of Uncertain Significance. Algorithms developed to predict the effect of missense changes on protein structure and function are either unavailable or do not agree on the potential impact of this missense change (SIFT: "Tolerated"; PolyPhen-2: "Possibly Damaging"; Align-GVGD: "Class C0"). This variant has not been reported in the literature in individuals with TRIO-related disease. This variant is not present in population databases (ExAC no frequency). This sequence change replaces leucine with arginine at codon 1071 of the TRIO protein (p.Leu1071Arg). The leucine residue is highly conserved and there is a moderate physicochemical difference between leucine and arginine.